The following is an entry in ClinVar:

ClinVar aggregate classification (germline): Pathogenic (1 of 4 stars; one submission).

Conditions:
46,XY sex reversal 3. Also called: NR5A1-related 46,XY complete gonadal dysgenesis; SEX REVERSAL, XY, WITH OR WITHOUT ADRENAL FAILURE; 46,XY SEX REVERSAL, PARTIAL OR COMPLETE, NR5A1-RELATED; 46,XY GONADAL DYSGENESIS, PARTIAL OR COMPLETE, WITH OR WITHOUT ADRENAL FAILURE; DISORDER OF SEX DEVELOPMENT, 46,XY, NR5A1-RELATED. Identifiers: MedGen C3489793, MONDO:0013066, OMIM 612965.

Submission:

Victorian Clinical Genetics Services, Murdoch Childrens Research Institute
Classification: Pathogenic for 46,XY sex reversal 3. Last evaluated: 2024-11-24. Review status: criteria provided, single submitter. Criteria: ACMG Guidelines, 2015. Collection method: clinical testing. Allele origin: germline. Affected: yes.
Comment: This variant is classified as Pathogenic. Evidence in support of pathogenic classification: Variant is predicted to result in a truncated protein (premature termination codon is NOT located at least 54 nucleotides upstream of the final exon-exon junction) with less than 1/3 of the protein sequence affected; Variant is absent from gnomAD (v2, v3 and v4); Other downstream protein truncating variant(s) comparable to the one identified in this case have very strong previous evidence for pathogenicity (DECIPHER). Additional information: This variant is heterozygous; This gene is associated with autosomal dominant disease; This variant has no previous evidence of pathogenicity; No published segregation evidence has been identified for this variant; No published functional evidence has been identified for this variant; Loss of function is a known mechanism of disease in this gene and is associated with adrenocortical insufficiency (MIM#612964), XX sex reversal 4, 46 (MIM# 617480), premature ovarian failure 7 (MIM#612964), spermatogenic failure 8 (MIM#613957) and 46XY sex reversal 3 (MIM#612965); The condition associated with this gene has incomplete penetrance (PMID: 31513305); Variants in this gene are known to have variable expressivity. Intrafamilial variability has been reported (PMID: 31513305); Inheritance information for this variant is not currently available in this individual.

Literature cited by the submitters: PubMed 31513305.

NM_004959.5(NR5A1):c.1032_1051del (p.His345fs)

Gene: NR5A1 (nuclear receptor subfamily 5 group A member 1; minus strand). Cytogenetic location: 9q33.3.
Variant type: Deletion.
Coding change: c.1032_1051del on transcript NM_004959.5 (MANE Select); coding-DNA positions 1032 to 1051, 20 bases deleted (GCACAGCCTGGTGTTGCGGG).
Protein change: p.His345fs; shifts the reading frame from histidine 345.
Molecular consequence: frameshift variant.
Genome position (GRCh38, 1-based): chr9:124,491,168-124,491,187, CCCGCAACACCAGGCTGTGC deleted on the plus strand (GCACAGCCTGGTGTTGCGGG on the coding strand, the reverse complement: NR5A1 is on the minus strand). VCF-style (leftmost placement, unchanged base first): chr9-124491167-GCCCGCAACACCAGGCTGTGC-G. GRCh37 (hg19) VCF-style: chr9-127253446-GCCCGCAACACCAGGCTGTGC-G.
Other names: short protein forms H345fs.
Identifiers: ClinVar variation 4532112 (VCV004532112.1).